The following is an entry in ClinVar:

NM_000797.4(DRD4):c.792C>A (p.Pro264=)

Gene: DRD4 (dopamine receptor D4; plus strand). Cytogenetic location: 11p15.5.
Variant type: single nucleotide variant.
Coding change: c.792C>A on transcript NM_000797.4 (MANE Select); coding-DNA position 792, C replaced by A.
Protein change: p.Pro264=; no amino-acid change (proline 264 retained).
Molecular consequence: synonymous variant.
Genome position (GRCh38, 1-based): chr11:640,041, C>A. VCF-style: chr11-640041-C-A. GRCh37 (hg19) VCF-style: chr11-640041-C-A.
Identifiers: ClinVar variation 4872225 (VCV004872225.2).

ClinVar aggregate classification (germline): Likely benign (1 of 4 stars; one submission).

Submission:

CeGaT Center for Human Genetics Tuebingen
Classification: Likely benign. Last evaluated: 2026-04-01. Review status: criteria provided, single submitter. Criteria: CeGaT Center For Human Genetics Tuebingen Variant Classification Criteria Version 2. Collection method: clinical testing. Allele origin: germline. Affected: yes. Observed: 1 variant allele.
Comment: DRD4: BP4, BP7